The following is an entry in ClinVar:

NM_004104.5(FASN):c.5619G>A (p.Met1873Ile)

Gene: FASN (fatty acid synthase; minus strand). Cytogenetic location: 17q25.3.
Variant type: single nucleotide variant.
Coding change: c.5619G>A on transcript NM_004104.5 (MANE Select); coding-DNA position 5619, G replaced by A.
Protein change: p.Met1873Ile; replaces methionine 1873 with isoleucine.
Molecular consequence: missense variant.
Genome position (GRCh38, 1-based): chr17:82,083,062, C>T on the plus strand (G>A on the coding strand, the complement: FASN is on the minus strand). VCF-style: chr17-82083062-C-T. GRCh37 (hg19) VCF-style: chr17-80040938-C-T.
Other names: short protein forms M1873I.
Identifiers: ClinVar variation 2171558 (VCV002171558.4), dbSNP rs767616521, ClinGen allele CA8851616.

ClinVar aggregate classification (germline): Uncertain significance (1 of 4 stars; one submission).

Conditions:
Epileptic encephalopathy. Identifiers: MedGen C0543888, HP:0200134.

Allele frequency attached by ClinVar (database versions not stated): ExAC 0.00001; gnomAD exomes 0.00001.

Submission:

Labcorp Genetics (formerly Invitae), Labcorp
Classification: Uncertain significance for Epileptic encephalopathy. Last evaluated: 2022-01-14. Review status: criteria provided, single submitter. Criteria: Invitae Variant Classification Sherloc (09022015). Collection method: clinical testing. Allele origin: germline.
Comment: This sequence change replaces methionine, which is neutral and non-polar, with isoleucine, which is neutral and non-polar, at codon 1873 of the FASN protein (p.Met1873Ile). This variant is present in population databases (rs767616521, gnomAD 0.006%). This variant has not been reported in the literature in individuals affected with FASN-related conditions. Algorithms developed to predict the effect of missense changes on protein structure and function output the following: SIFT: "Tolerated"; PolyPhen-2: "Benign"; Align-GVGD: "Class C0". The isoleucine amino acid residue is found in multiple mammalian species, which suggests that this missense change does not adversely affect protein function. In summary, the available evidence is currently insufficient to determine the role of this variant in disease. Therefore, it has been classified as a Variant of Uncertain Significance.